The following is an entry in ClinVar:

ClinVar aggregate classification (germline): Uncertain significance. Review status: criteria provided, multiple submitters, no conflicts (2 of 4 stars). 3 submissions from 3 submitters: Uncertain significance (3). Last evaluated 2025-02-20.

Conditions:
Familial cancer of breast. Also called: Hereditary breast cancer; hereditary breast carcinoma; BREAST CANCER, FAMILIAL. Identifiers: Orphanet 227535, MedGen C0346153, MONDO:0016419, OMIM 114480. Disease mechanism: loss of function.
Fanconi anemia complementation group J. Also called: BRIP1-Related Fanconi Anemia. Identifiers: Orphanet 84, MedGen C1836860, MONDO:0012187, OMIM 609054.
Hereditary cancer-predisposing syndrome. Also called: Hereditary Cancer Syndrome; Neoplastic Syndromes, Hereditary; Hereditary neoplastic syndrome; Tumor predisposition. Identifiers: Orphanet 140162, MedGen C0027672, MeSH D009386, MONDO:0015356.

Submissions (3):

Labcorp Genetics (formerly Invitae), Labcorp
Classification: Uncertain significance for Familial cancer of breast; Fanconi anemia complementation group J. Last evaluated: 2025-02-20. Review status: criteria provided, single submitter. Criteria: Invitae Variant Classification Sherloc (09022015). Collection method: clinical testing. Allele origin: germline.
Comment: This sequence change replaces alanine, which is neutral and non-polar, with threonine, which is neutral and polar, at codon 1019 of the BRIP1 protein (p.Ala1019Thr). This variant is not present in population databases (gnomAD no frequency). This variant has not been reported in the literature in individuals affected with BRIP1-related conditions. ClinVar contains an entry for this variant (Variation ID: 822739). Invitae Evidence Modeling of protein sequence and biophysical properties (such as structural, functional, and spatial information, amino acid conservation, physicochemical variation, residue mobility, and thermodynamic stability) indicates that this missense variant is not expected to disrupt BRIP1 protein function with a negative predictive value of 95%. In summary, the available evidence is currently insufficient to determine the role of this variant in disease. Therefore, it has been classified as a Variant of Uncertain Significance.

GeneDx
Classification: Uncertain significance. Last evaluated: 2025-01-22. Review status: criteria provided, single submitter. Criteria: GeneDx Variant Classification Process June 2021. Collection method: clinical testing. Allele origin: germline. Affected: yes.
Comment: Not observed at significant frequency in large population cohorts (gnomAD); In silico analysis indicates that this missense variant does not alter protein structure/function; Has not been previously published as pathogenic or benign to our knowledge; This variant is associated with the following publications: (PMID: 11301010)

Ambry Genetics
Classification: Uncertain significance for Hereditary cancer-predisposing syndrome. Last evaluated: 2023-03-30. Review status: criteria provided, single submitter. Criteria: Ambry Variant Classification Scheme 2023. Collection method: clinical testing. Allele origin: germline.
Comment: The p.A1019T variant (also known as c.3055G>A), located in coding exon 19 of the BRIP1 gene, results from a G to A substitution at nucleotide position 3055. The alanine at codon 1019 is replaced by threonine, an amino acid with similar properties. This amino acid position is poorly conserved in available vertebrate species. In addition, this alteration is predicted to be tolerated by in silico analysis. Since supporting evidence is limited at this time, the clinical significance of this alteration remains unclear.

NM_032043.3(BRIP1):c.3055G>A (p.Ala1019Thr)

Gene: BRIP1 (BRCA1 interacting DNA helicase 1; minus strand). Cytogenetic location: 17q23.2.
Variant type: single nucleotide variant.
Coding change: c.3055G>A on transcript NM_032043.3 (MANE Select); coding-DNA position 3055, G replaced by A.
Protein change: p.Ala1019Thr; replaces alanine 1019 with threonine.
Molecular consequence: missense variant.
Genome position (GRCh38, 1-based): chr17:61,683,991, C>T on the plus strand (G>A on the coding strand, the complement: BRIP1 is on the minus strand). VCF-style: chr17-61683991-C-T. GRCh37 (hg19) VCF-style: chr17-59761352-C-T.
Other names: short protein forms A1019T.
Identifiers: ClinVar variation 822739 (VCV000822739.11), dbSNP rs1603275556, ClinGen allele CA400479903.